The following is an entry in ClinVar:

NM_024675.4(PALB2):c.1139G>A (p.Ser380Asn)

Gene: PALB2 (partner and localizer of BRCA2; minus strand). Cytogenetic location: 16p12.2.
Variant type: single nucleotide variant.
Coding change: c.1139G>A on transcript NM_024675.4 (MANE Select); coding-DNA position 1139, G replaced by A.
Protein change: p.Ser380Asn; replaces serine 380 with asparagine.
Molecular consequence: missense variant.
Genome position (GRCh38, 1-based): chr16:23,635,407, C>T on the plus strand (G>A on the coding strand, the complement: PALB2 is on the minus strand). VCF-style: chr16-23635407-C-T. GRCh37 (hg19) VCF-style: chr16-23646728-C-T.
Other names: short protein forms S380N.
Identifiers: ClinVar variation 460881 (VCV000460881.18), dbSNP rs876659887, ClinGen allele CA395133600.
Genomic context (GRCh38, chr16:23,635,407, plus strand): 5'-TCAGGCACTGTGCAAGAATGTTTTTCTGCAGAAAGAGGAGAGGTTGCTTCCAGGCTAAGA[C>T]TCTTAGGTTGACTTAGAATCTCACTTTCCTGAAGATTTTCATTCCTGCCATCAAGAGTGT-3'
Protein context (NP_078951.2, residues 370-390): QESEILSQPK[Ser380Asn]LSLEATSPLS

ClinVar aggregate classification (germline): Uncertain significance. Review status: criteria provided, multiple submitters, no conflicts (2 of 4 stars). 4 submissions from 4 submitters: Uncertain significance (4). Last evaluated 2026-08-06.

Conditions:
Hereditary cancer-predisposing syndrome. Also called: Tumor predisposition; Neoplastic Syndromes, Hereditary; Hereditary Cancer Syndrome; Hereditary neoplastic syndrome. Identifiers: Orphanet 140162, MedGen C0027672, MeSH D009386, MONDO:0015356.
Familial cancer of breast. Also called: BREAST CANCER, FAMILIAL; hereditary breast carcinoma; Hereditary breast cancer. Identifiers: Orphanet 227535, MedGen C0346153, MONDO:0016419, OMIM 114480. Disease mechanism: loss of function.
Pancreatic cancer, susceptibility to, 3. Identifiers: Orphanet 1333, MedGen C3150547, MONDO:0013236, OMIM 613348.

gnomAD v4.1: 2 of 1,614,054 alleles (0.00012%); highest among the groups gnomAD compares: Non-Finnish European, 0.00017%; no homozygotes.

Submissions (4):

OLLIN Analises Genomicas, OLLIN
Classification: Uncertain significance for Pancreatic cancer, susceptibility to, 3. Last evaluated: 2026-08-06. Review status: criteria provided, single submitter. Criteria: ACMG Guidelines 2015 PMID 25741868. Collection method: clinical testing. Allele origin: germline. Inheritance: Autosomal recessive inheritance.
Comment: This missense variant, located in exon 4 (of 13), has been reported in ClinVar (accession VCV000232632.9) and in gnomAD with an allele frequency of 0.00012%. However, to our knowledge, it has not been reported in the scientific literature. In silico analysis is inconclusive regarding the impact of this variant. According to the currently available evidence, this variant has been classified as uncertain significance (PM2_P).

Labcorp Genetics (formerly Invitae), Labcorp
Classification: Uncertain significance for Familial cancer of breast. Last evaluated: 2025-11-21. Review status: criteria provided, single submitter. Criteria: Invitae Variant Classification Sherloc (09022015). Collection method: clinical testing. Allele origin: germline.
Comment: This sequence change replaces serine, which is neutral and polar, with asparagine, which is neutral and polar, at codon 380 of the PALB2 protein (p.Ser380Asn). This variant is not present in population databases (gnomAD no frequency). This variant has not been reported in the literature in individuals affected with PALB2-related conditions. ClinVar contains an entry for this variant (Variation ID: 460881). Invitae Evidence Modeling of protein sequence and biophysical properties (such as structural, functional, and spatial information, amino acid conservation, physicochemical variation, residue mobility, and thermodynamic stability) indicates that this missense variant is not expected to disrupt PALB2 protein function with a negative predictive value of 80%. In summary, the available evidence is currently insufficient to determine the role of this variant in disease. Therefore, it has been classified as a Variant of Uncertain Significance.

Color Diagnostics, LLC DBA Color Health
Classification: Uncertain significance for Hereditary cancer-predisposing syndrome. Last evaluated: 2023-03-20. Review status: criteria provided, single submitter. Criteria: ACMG Guidelines, 2015. Collection method: clinical testing. Allele origin: germline.
Comment: This missense variant replaces serine with asparagine at codon 380 of the PALB2 protein. Computational prediction suggests that this variant may not impact protein structure and function (internally defined REVEL score threshold <= 0.5, PMID: 27666373). To our knowledge, functional studies have not been reported for this variant. This variant has not been reported in individuals affected with PALB2-related disorders in the literature. This variant has not been identified in the general population by the Genome Aggregation Database (gnomAD). The available evidence is insufficient to determine the role of this variant in disease conclusively. Therefore, this variant is classified as a Variant of Uncertain Significance.

Ambry Genetics
Classification: Uncertain significance for Hereditary cancer-predisposing syndrome. Last evaluated: 2023-01-31. Review status: criteria provided, single submitter. Criteria: Ambry Variant Classification Scheme 2023. Collection method: clinical testing. Allele origin: germline.
Comment: The p.S380N variant (also known as c.1139G>A), located in coding exon 4 of the PALB2 gene, results from a G to A substitution at nucleotide position 1139. The serine at codon 380 is replaced by asparagine, an amino acid with highly similar properties. This amino acid position is not well conserved in available vertebrate species. In addition, this alteration is predicted to be tolerated by in silico analysis. Since supporting evidence is limited at this time, the clinical significance of this alteration remains unclear.